The following is an entry in ClinVar:

NM_005006.7(NDUFS1):c.154-14_154-9del

Gene: NDUFS1 (NADH:ubiquinone oxidoreductase core subunit S1; minus strand). Cytogenetic location: 2q33.3.
Variant type: Deletion.
Coding change: c.154-14_154-9del on transcript NM_005006.7 (MANE Select); 14 bases into the intron before coding-DNA position 154 through 9 bases into the intron before coding-DNA position 154, 6 bases deleted (TTTTTT; older notation c.154-14_154-9delTTTTTT).
Molecular consequence: intron variant.
Genome position (GRCh38, 1-based): chr2:206,149,934-206,149,939, AAAAAA deleted on the plus strand (TTTTTT on the coding strand, the reverse complement: NDUFS1 is on the minus strand); deleting any 6 consecutive bases within chr2:206,149,934-206,149,958 gives the same sequence; the c. name uses the placement nearest the transcript's 3' end. VCF-style (leftmost placement, unchanged base first): chr2-206149933-TAAAAAA-T. GRCh37 (hg19) VCF-style: chr2-207014657-TAAAAAA-T.
Other names: p.?; c.6-2105_6-2100del (NM_001199982.2); c.-18-14_-18-9del (NM_001199983.2); c.154-843_154-838del (NM_001199981.2); c.196-14_196-9del (NM_001199984.2).
Identifiers: ClinVar variation 778279 (VCV000778279.4), dbSNP rs568965659, ClinGen allele CA2070867.

ClinVar aggregate classification (germline): Benign/Likely benign. Review status: criteria provided, multiple submitters, no conflicts (2 of 4 stars). 2 submissions from 2 submitters: Benign (1); Likely benign (1). Last evaluated 2025-08-18.

Submissions (2):

Mayo Clinic Laboratories, Mayo Clinic
Classification: Likely benign. Last evaluated: 2025-08-18. Review status: criteria provided, single submitter. Criteria: ACMG Guidelines, 2015. Collection method: clinical testing. Allele origin: germline. Observed: 14 variant alleles.
Comment: BP4, BP7

Labcorp Genetics (formerly Invitae), Labcorp
Classification: Benign. Last evaluated: 2017-08-04. Review status: criteria provided, single submitter. Criteria: Invitae Variant Classification Sherloc (09022015). Collection method: clinical testing. Allele origin: germline.